The following is an entry in ClinVar:

NM_015378.4(VPS13D):c.849C>T (p.Tyr283=)

Gene: VPS13D (vacuolar protein sorting 13 homolog D; plus strand). Cytogenetic location: 1p36.22.
Variant type: single nucleotide variant.
Coding change: c.849C>T on transcript NM_015378.4 (MANE Select); coding-DNA position 849, C replaced by T.
Protein change: p.Tyr283=; no amino-acid change (tyrosine 283 retained).
Molecular consequence: synonymous variant.
Genome position (GRCh38, 1-based): chr1:12,256,995, C>T. VCF-style: chr1-12256995-C-T. GRCh37 (hg19) VCF-style: chr1-12317052-C-T.
Other names: c.849C>T (NM_015378.3); c.849C>T, p.Tyr283= (NM_018156.4).
Identifiers: ClinVar variation 1631294 (VCV001631294.28), dbSNP rs138858983, ClinGen allele CA601339.

ClinVar aggregate classification (germline): Benign/Likely benign. Review status: criteria provided, multiple submitters, no conflicts (2 of 4 stars). 4 submissions from 4 submitters: Benign (2); Likely benign (1). 1 of the submissions does not count toward it. Last evaluated 2025-08-29.

Conditions:
VPS13D-related disorder. Also called: VPS13D-related condition.

Allele frequency attached by ClinVar (database versions not stated): gnomAD exomes 0.00011 and 0.00035; ExAC 0.00054; gnomAD 0.00128 and 0.00136; TOPMed 0.00129; ESP Exome Variant Server 0.00154; 1000 Genomes Project 0.00160; 1000 Genomes Project 30x 0.00172.
gnomAD v4.1: 356 of 1,614,056 alleles (0.022%); highest among the groups gnomAD compares: African/African-American, 0.42%; 1 homozygote.

Submissions (4):

Labcorp Genetics (formerly Invitae), Labcorp
Classification: Benign. Last evaluated: 2025-08-29. Review status: criteria provided, single submitter. Criteria: Invitae Variant Classification Sherloc (09022015). Collection method: clinical testing. Allele origin: germline.

CeGaT Center for Human Genetics Tuebingen
Classification: Likely benign. Last evaluated: 2024-06-01. Review status: criteria provided, single submitter. Criteria: CeGaT Center For Human Genetics Tuebingen Variant Classification Criteria Version 2. Collection method: clinical testing. Allele origin: germline. Affected: yes. Observed: 1 variant allele.
Comment: VPS13D: BP4, BP7

Breakthrough Genomics
Classification: Benign. Review status: criteria provided, single submitter. Criteria: ACMG Guidelines, 2015. Collection method: not provided. Allele origin: germline. Inheritance: Autosomal recessive inheritance. Affected: yes.

PreventionGenetics, part of Exact Sciences
Classification: Likely benign for VPS13D-related condition. Last evaluated: 2019-08-28. Review status: no assertion criteria provided. Collection method: clinical testing. Allele origin: germline. Not counted in ClinVar's aggregate classification.
Comment: This variant is classified as likely benign based on ACMG/AMP sequence variant interpretation guidelines (Richards et al. 2015 PMID: 25741868, with internal and published modifications).